The following is an entry in ClinVar:

NM_002292.4(LAMB2):c.2944C>T (p.Arg982Trp)

Gene: LAMB2 (laminin subunit beta 2; minus strand). Cytogenetic location: 3p21.31.
Variant type: single nucleotide variant.
Coding change: c.2944C>T on transcript NM_002292.4 (MANE Select); coding-DNA position 2944, C replaced by T.
Protein change: p.Arg982Trp; replaces arginine 982 with tryptophan.
Molecular consequence: missense variant.
Genome position (GRCh38, 1-based): chr3:49,124,866, G>A on the plus strand (C>T on the coding strand, the complement: LAMB2 is on the minus strand). VCF-style: chr3-49124866-G-A. GRCh37 (hg19) VCF-style: chr3-49162299-G-A.
Other names: short protein forms R982W.
Identifiers: ClinVar variation 1385539 (VCV001385539.8), dbSNP rs530751136, ClinGen allele CA2394157.
Genomic context (GRCh38, chr3:49,124,866, plus strand): 5'-GGTCACAGGCATCAGGATCCATTGGGTCAATGTTCCCACTGCACTCACACAGTTGGCACC[G>A]GCCACCTGGCCTTGATGGGTCCCCAAAGTGCCCAGGGGCACAAGCTTCACATCGCAGCCC-3'
Protein context (NP_002283.3, residues 972-992): HFGDPSRPGG[Arg982Trp]CQLCECSGNI

ClinVar aggregate classification (germline): Uncertain significance (1 of 4 stars; one submission).

Conditions:
Pierson syndrome. Also called: MICROCORIA-CONGENITAL NEPHROTIC SYNDROME. Identifiers: Orphanet 2670, MedGen C1836876, MONDO:0012184, OMIM 609049.
LAMB2-related infantile-onset nephrotic syndrome. Also called: NEPHROTIC SYNDROME, TYPE 5, WITHOUT OCULAR ABNORMALITIES; NEPHROTIC SYNDROME, TYPE 5, WITH OCULAR ABNORMALITIES; Nephrotic Syndrome, type 5. Identifiers: Orphanet 306507, MedGen C3280113, MONDO:0013621, OMIM 614199.

Allele frequency attached by ClinVar (database versions not stated): ExAC 0.00002; gnomAD exomes 0.00002; 1000 Genomes Project 30x 0.00016; 1000 Genomes Project 0.00020.
gnomAD v4.1: 16 of 1,614,062 alleles (0.00099%); highest among the groups gnomAD compares: East Asian, 0.0045%; no homozygotes.

Submission:

Labcorp Genetics (formerly Invitae), Labcorp
Classification: Uncertain significance for LAMB2-related infantile-onset nephrotic syndrome; Pierson syndrome. Last evaluated: 2022-08-09. Review status: criteria provided, single submitter. Criteria: Invitae Variant Classification Sherloc (09022015). Collection method: clinical testing. Allele origin: germline.
Comment: This variant is present in population databases (rs530751136, gnomAD 0.006%). This sequence change replaces arginine, which is basic and polar, with tryptophan, which is neutral and slightly polar, at codon 982 of the LAMB2 protein (p.Arg982Trp). In summary, the available evidence is currently insufficient to determine the role of this variant in disease. Therefore, it has been classified as a Variant of Uncertain Significance. Algorithms developed to predict the effect of missense changes on protein structure and function output the following: SIFT: "Deleterious"; PolyPhen-2: "Benign"; Align-GVGD: "Class C25". The tryptophan amino acid residue is found in multiple mammalian species, which suggests that this missense change does not adversely affect protein function. ClinVar contains an entry for this variant (Variation ID: 1385539). This variant has not been reported in the literature in individuals affected with LAMB2-related conditions.